The following is an entry in ClinVar:

ClinVar aggregate classification (germline): Benign/Likely benign. Review status: criteria provided, multiple submitters, no conflicts (2 of 4 stars). 5 submissions from 5 submitters: Benign (1); Likely benign (4). Last evaluated 2025-12-10.

Conditions:
Hereditary cancer-predisposing syndrome. Also called: Tumor predisposition; Neoplastic Syndromes, Hereditary; Hereditary Cancer Syndrome; Hereditary neoplastic syndrome. Identifiers: Orphanet 140162, MedGen C0027672, MeSH D009386, MONDO:0015356.
Fanconi anemia complementation group N. Also called: PALB2-Related Fanconi Anemia. Identifiers: Orphanet 84, MedGen C1835817, MONDO:0012565, OMIM 610832. Disease mechanism: loss of function.
Pancreatic cancer, susceptibility to, 3. Identifiers: Orphanet 1333, MedGen C3150547, MONDO:0013236, OMIM 613348.
Breast-ovarian cancer, familial, susceptibility to, 5 (BROVCA5). Identifiers: MedGen C5830615, MONDO:0957530, OMIM 620442.
Familial cancer of breast. Also called: Hereditary breast cancer; BREAST CANCER, FAMILIAL; hereditary breast carcinoma. Identifiers: Orphanet 227535, MedGen C0346153, MONDO:0016419, OMIM 114480. Disease mechanism: loss of function.

Allele frequency attached by ClinVar (database versions not stated): TOPMed 0.00001.
gnomAD v4.1: 4 of 1,608,014 alleles (0.00025%); highest among the groups gnomAD compares: Non-Finnish European, 0.00034%; no homozygotes.

Submissions (5):

Labcorp Genetics (formerly Invitae), Labcorp
Classification: Likely benign for Familial cancer of breast. Last evaluated: 2025-12-10. Review status: criteria provided, single submitter. Criteria: Invitae Variant Classification Sherloc (09022015). Collection method: clinical testing. Allele origin: germline.

Myriad Genetics, Inc.
Classification: Benign for Familial cancer of breast. Last evaluated: 2025-01-17. Review status: criteria provided, single submitter. Criteria: Myriad Autosomal Dominant, Autosomal Recessive and X-Linked Classification Criteria (2023). Collection method: clinical testing. Allele origin: unknown.
Comment: This variant is considered benign. This variant is a silent/synonymous amino acid change and it is not expected to impact splicing.

Color Diagnostics, LLC DBA Color Health
Classification: Likely benign for Hereditary cancer-predisposing syndrome. Last evaluated: 2024-06-03. Review status: criteria provided, single submitter. Criteria: ACMG Guidelines, 2015. Collection method: clinical testing. Allele origin: germline.

Department of Pathology and Laboratory Medicine, Sinai Health System
Classification: Likely benign for Fanconi anemia complementation group N; Pancreatic cancer, susceptibility to, 3; Breast-ovarian cancer, familial, susceptibility to, 5. Last evaluated: 2022-09-26. Review status: criteria provided, single submitter. Criteria: ACMG Guidelines, 2015. Collection method: clinical testing. Allele origin: germline. Affected: yes.

Ambry Genetics
Classification: Likely benign for Hereditary cancer-predisposing syndrome. Last evaluated: 2017-08-10. Review status: criteria provided, single submitter. Criteria: Ambry Variant Classification Scheme 2023. Collection method: clinical testing. Allele origin: germline.

NM_024675.4(PALB2):c.2793C>T (p.Leu931=)

Gene: PALB2 (partner and localizer of BRCA2; minus strand). Cytogenetic location: 16p12.2.
Variant type: single nucleotide variant.
Coding change: c.2793C>T on transcript NM_024675.4 (MANE Select); coding-DNA position 2793, C replaced by T.
Protein change: p.Leu931=; no amino-acid change (leucine 931 retained).
Molecular consequence: synonymous variant.
Genome position (GRCh38, 1-based): chr16:23,624,050, G>A on the plus strand (C>T on the coding strand, the complement: PALB2 is on the minus strand). VCF-style: chr16-23624050-G-A. GRCh37 (hg19) VCF-style: chr16-23635371-G-A.
Identifiers: ClinVar variation 415993 (VCV000415993.20), dbSNP rs1039677524, ClinGen allele CA16614826.